The following is an entry in ClinVar:

ClinVar aggregate classification (germline): Conflicting classifications of pathogenicity. Review status: criteria provided, conflicting classifications (1 of 4 stars). 22 submissions from 22 submitters: Pathogenic (5); Likely pathogenic (10); Uncertain significance (3). 4 of the submissions do not count toward it. Last evaluated 2025-11-28.

Conditions:
CAPN3-related disorder. Also called: CAPN3-related condition; CAPN3-related disorders. Identifiers: MedGen CN239245.
Muscular dystrophy, limb-girdle, autosomal dominant 4. Also called: Calpain-3-related limb-girdle muscular dystrophy D4; MUSCULAR DYSTROPHY, LIMB-GIRDLE, TYPE 1I. Identifiers: Orphanet 565909, MedGen C4748295, MONDO:0029133, OMIM 618129.
Autosomal recessive limb-girdle muscular dystrophy type 2A (LGMDR1). Also called: Muscular dystrophy, limb-girdle, type 2A, Amish; LEYDEN-MOEBIUS MUSCULAR DYSTROPHY; Limb-girdle muscular dystrophy, type 2A; Calpainopathy; MUSCULAR DYSTROPHY, PELVOFEMORAL. Identifiers: Orphanet 267, MedGen C1869123, MONDO:0009675, OMIM 253600. Disease mechanism: loss of function.

Allele frequency attached by ClinVar (database versions not stated): gnomAD exomes below 0.00001; TOPMed below 0.00001; ExAC 0.00001.
gnomAD v4.1: 5 of 1,612,948 alleles (0.00031%); highest among the groups gnomAD compares: African/African-American, 0.004%; no homozygotes.

Submissions (22):

GeneDx
Classification: Pathogenic. Last evaluated: 2025-11-28. Review status: criteria provided, single submitter. Criteria: GeneDx Variant Classification Process June 2021. Collection method: clinical testing. Allele origin: germline.
Comment: Individual homozygous for the W373R variant was found to have absent CAPN3 protein on western blot (PMID: 18337726); Not observed at significant frequency in large population cohorts (gnomAD); In silico analysis suggests that this missense variant does not alter protein structure/function; This variant is associated with the following publications: (PMID: 18258189, 16627476, 33281875, 22443334, 18337726, 30564623, 32528171, 33726816, 37273706, 38374194)

Natera, Inc.
Classification: Likely pathogenic for Limb-girdle muscular dystrophy type 2A. Last evaluated: 2025-08-22. Review status: criteria provided, single submitter. Criteria: Natera Variant Classification Schema (03/2026). Collection method: clinical testing. Allele origin: germline.
Comment: The c.1117T>C variant in CAPN3 is a missense variant predicted to cause substitution of tryptophan to arginine at amino acid 373. This variant is rare in the general population with a frequency below the threshold expected for the associated phenotype(s). This variant has been observed in one or more individuals affected with the associated recessive disease, as either homozygous or compound heterozygous with a second variant (PMID: 38374194, 30564623). Additionally, this variant has been observed to segregate in affected family members (PMID: 18337726). Functional studies show that this variant may disrupt protein function (PMID: 18337726). Computational prediction algorithms indicate this variant is likely to affect gene or protein function. Given the available evidence, this variant is classified as Likely Pathogenic.

Labcorp Genetics (formerly Invitae), Labcorp
Classification: Pathogenic for Autosomal recessive limb-girdle muscular dystrophy type 2A. Last evaluated: 2025-05-27. Review status: criteria provided, single submitter. Criteria: Invitae Variant Classification Sherloc (09022015). Collection method: clinical testing. Allele origin: germline.
Comment: This sequence change replaces tryptophan, which is neutral and slightly polar, with arginine, which is basic and polar, at codon 373 of the CAPN3 protein (p.Trp373Arg). This variant is not present in population databases (gnomAD no frequency). This missense change has been observed in individuals with autosomal recessive limb-girdle muscular dystrophy (PMID: 18337726, 30564623; internal data). It has also been observed to segregate with disease in related individuals. ClinVar contains an entry for this variant (Variation ID: 217145). An algorithm developed to predict the effect of missense changes on protein structure and function (PolyPhen-2) suggests that this variant is likely to be disruptive. Experimental studies have shown that this missense change affects CAPN3 function (PMID: 18258189). For these reasons, this variant has been classified as Pathogenic.

3billion
Classification: Likely pathogenic for Autosomal recessive limb-girdle muscular dystrophy type 2A. Last evaluated: 2025-04-20. Review status: criteria provided, single submitter. Criteria: ACMG Guidelines, 2015. Collection method: clinical testing. Allele origin: germline. Affected: yes.

Blueprint Genetics
Classification: Pathogenic for CAPN3-related disorders. Last evaluated: 2024-07-02. Review status: criteria provided, single submitter. Criteria: ACMG Guidelines, 2015. Collection method: clinical testing. Allele origin: germline. Affected: yes. Observed: 5 variant alleles.

Genomic Medicine Center of Excellence, King Faisal Specialist Hospital and Research Centre
Classification: Likely pathogenic for Autosomal recessive limb-girdle muscular dystrophy type 2A. Last evaluated: 2024-04-04. Review status: criteria provided, single submitter. Criteria: ACMG Guidelines, 2015. Collection method: clinical testing. Allele origin: germline.

Baylor Genetics
Classification: Likely pathogenic for Muscular dystrophy, limb-girdle, autosomal dominant 4. Last evaluated: 2024-01-05. Review status: criteria provided, single submitter. Criteria: ACMG Guidelines, 2015. Collection method: clinical testing. Allele origin: unknown.

Kariminejad - Najmabadi Pathology & Genetics Center
Classification: Likely pathogenic for Autosomal recessive limb-girdle muscular dystrophy type 2A. Last evaluated: 2023-08-02. Review status: criteria provided, single submitter. Criteria: ACMG Guidelines, 2015. Collection method: clinical testing. Allele origin: germline. Inheritance: Autosomal recessive inheritance. Affected: yes. Observed: 2 variant alleles.
Comment: PM1,PM2,PM3,PP2,PP3

Institute of Human Genetics Munich, TUM University Hospital
Classification: Likely pathogenic for Autosomal recessive limb-girdle muscular dystrophy type 2A. Last evaluated: 2023-07-04. Review status: criteria provided, single submitter. Criteria: Classification criteria August 2017. Collection method: clinical testing. Allele origin: inherited. Inheritance: Autosomal recessive inheritance. Affected: yes. Observed: 1 variant allele.

Center of Genomic medicine, Geneva, University Hospital of Geneva
Classification: Likely pathogenic for Autosomal recessive limb-girdle muscular dystrophy type 2A. Last evaluated: 2023-03-10. Review status: criteria provided, single submitter. Criteria: ACMG Guidelines, 2015. Collection method: clinical testing. Allele origin: germline. Affected: yes. Observed: 1 variant allele.

Laboratory of Medical Genetics, National & Kapodistrian University of Athens
Classification: Pathogenic for Autosomal recessive limb-girdle muscular dystrophy type 2A. Last evaluated: 2023-02-10. Review status: criteria provided, single submitter. Criteria: ACMG Guidelines, 2015. Collection method: clinical testing. Allele origin: germline. Affected: yes.
Comment: PM2, PP2, PP3, PP5

MGZ Medical Genetics Center
Classification: Likely pathogenic for Autosomal recessive limb-girdle muscular dystrophy type 2A. Last evaluated: 2022-07-28. Review status: criteria provided, single submitter. Criteria: ACMG Guidelines, 2015. Collection method: clinical testing. Allele origin: germline. Affected: yes. Observed: 1 variant allele.
Comment: ACMG criteria applied: PS3_MOD, PP1_MOD, PM2_SUP, PM3_SUP, PP3

CeGaT Center for Human Genetics Tuebingen
Classification: Uncertain significance. Last evaluated: 2022-03-01. Review status: criteria provided, single submitter. Criteria: CeGaT Center For Human Genetics Tuebingen Variant Classification Criteria Version 2. Collection method: clinical testing. Allele origin: germline. Affected: yes. Observed: 1 variant allele.
Comment: CAPN3: PM2, PM3

Revvity Omics, Revvity
Classification: Likely pathogenic. Last evaluated: 2022-02-07. Review status: criteria provided, single submitter. Criteria: ACMG Guidelines, 2015. Collection method: clinical testing. Allele origin: germline.

Victorian Clinical Genetics Services, Murdoch Childrens Research Institute
Classification: Uncertain significance for Autosomal recessive limb-girdle muscular dystrophy type 2A. Last evaluated: 2021-05-06. Review status: criteria provided, single submitter. Criteria: ACMG Guidelines, 2015. Collection method: clinical testing. Allele origin: germline. Affected: yes.
Comment: Based on the classification scheme VCGS_Germline_v1.3.4, this variant is classified as VUS-3A. Following criteria are met: 0102 - Loss of function is a known mechanism of disease in this gene and is associated with autosomal recessive CAPN3-related muscular dystrophy. A dominant-negative mechanism has also been suggested for autosomal dominant CAPN3-related muscular dystrophy (PMID: 32342993). (I) 0108 - This gene is associated with both recessive and dominant disease. Loss of function variants are usually inherited in a recessive manner, resulting in a severe phenotype however, a number of in-frame deletions and missense variants have more recently been described to result in a milder, later-onset calpainopathy phenotype with autosomal dominant inheritance (PMIDs: 32557990, 32342993). (I) 0115 - Variants in this gene are known to have variable expressivity. Some heterozygous carriers only present with isolated hyperCKaemia (PMID: 32557990). (I) 0200 - Variant is predicted to result in a missense amino acid change from tryptophan to arginine. (I) 0251 - This variant is heterozygous. (I) 0301 - Variant is absent from gnomAD (both v2 and v3). (SP) 0502 - Missense variant with conflicting in silico predictions and uninformative conservation. (I) 0600 - Variant is located in the annotated catalytic domain (Uniprot). (I) 0705 - No comparable missense variants have previous evidence for pathogenicity. (I) 0808 - Previous reports of pathogenicity for this variant are conflicting. This variant has been reported in two homozygous siblings with limb-girdle muscular dystrophy 2A and also reported with conflicting interpretation from VUS to pathogenic (ClinVar, PMID: 18337726). (I) 0905 - No published segregation evidence has been identified for this variant. (I) 1208 - Inheritance information for this variant is not currently available in this individual. (I) Legend: (SP) - Supporting pathogenic, (I) - Information, (SB) - Supporting benign

Eurofins Ntd Llc (ga)
Classification: Uncertain significance. Last evaluated: 2016-12-28. Review status: criteria provided, single submitter. Criteria: EGL Classification Definitions 2015. Collection method: clinical testing. Allele origin: germline. Observed: 4 variant alleles, 3 heterozygotes, 1 homozygote.

Clinical Genetics and Genomics, Karolinska University Hospital
Classification: Likely pathogenic. Last evaluated: 2015-10-29. Review status: criteria provided, single submitter. Criteria: ACMG Guidelines, 2015. Collection method: clinical testing. Allele origin: germline. Affected: yes. Observed: 1 variant allele.

Athena Diagnostics
Classification: Pathogenic. Last evaluated: 2015-07-28. Review status: criteria provided, single submitter. Criteria: Athena Diagnostics Criteria. Collection method: clinical testing. Allele origin: unknown.
Comment: Not found in the total gnomAD dataset, and the data is high quality. Assessment of experimental evidence suggests this variant results in abnormal protein function. Segregation with disease in affected individuals from a single family.

Inheritance Genetic Center
Classification: Pathogenic for Autosomal recessive limb-girdle muscular dystrophy type 2A. Last evaluated: 2024-07-06. Review status: no assertion criteria provided. Collection method: clinical testing. Allele origin: germline. Inheritance: Autosomal recessive inheritance. Affected: yes. Observed: 1 homozygote. Not counted in ClinVar's aggregate classification.

Counsyl
Classification: Uncertain significance for Autosomal recessive limb-girdle muscular dystrophy type 2A. Last evaluated: 2017-10-10. Review status: no assertion criteria provided. Collection method: clinical testing. Allele origin: unknown. Not counted in ClinVar's aggregate classification.

Diagnostic Laboratory, Department of Genetics, University Medical Center Groningen
Classification: Likely pathogenic. Review status: no assertion criteria provided. Collection method: clinical testing. Allele origin: germline. Affected: yes. Study: VKGL Data-share Consensus. Not counted in ClinVar's aggregate classification.

Laboratory of Diagnostic Genome Analysis, Leiden University Medical Center (LUMC)
Classification: Likely pathogenic. Review status: no assertion criteria provided. Collection method: clinical testing. Allele origin: germline. Affected: yes. Study: VKGL Data-share Consensus. Not counted in ClinVar's aggregate classification.

Literature cited by the submitters: PubMed 38374194 (cited by Natera, Inc.); PubMed 30564623 (cited by 3 submitters); PubMed 18337726 (cited by 5 submitters); PubMed 18258189 (cited by 3 submitters); PubMed 32342993 (cited by Victorian Clinical Genetics Services, Murdoch Childrens Research Institute); PubMed 32557990 (cited by Victorian Clinical Genetics Services, Murdoch Childrens Research Institute); PubMed 16627476 (cited by Athena Diagnostics); PubMed 22443334 (cited by Athena Diagnostics and Counsyl); PubMed 8624690 (cited by Inheritance Genetic Center).

NM_000070.3(CAPN3):c.1117T>C (p.Trp373Arg)

Gene: CAPN3 (calpain 3; plus strand). Cytogenetic location: 15q15.1.
Variant type: single nucleotide variant.
Coding change: c.1117T>C on transcript NM_000070.3 (MANE Select); coding-DNA position 1117, T replaced by C.
Protein change: p.Trp373Arg; replaces tryptophan 373 with arginine.
Molecular consequence: missense variant.
Genome position (GRCh38, 1-based): chr15:42,396,801, T>C. VCF-style: chr15-42396801-T-C. GRCh37 (hg19) VCF-style: chr15-42688999-T-C.
Other names: p.(Trp373Arg); c.1117T>C, p.Trp373Arg (NM_024344.2); c.973T>C, p.Trp325Arg (NM_173087.2); short protein forms W373R, W325R.
Identifiers: ClinVar variation 217145 (VCV000217145.80), dbSNP rs775453643, ClinGen allele CA347568.